The following is an entry in ClinVar:

ClinVar aggregate classification (germline): Benign/Likely benign. Review status: criteria provided, multiple submitters, no conflicts (2 of 4 stars). 7 submissions from 7 submitters: Benign (1); Likely benign (6). Last evaluated 2026-01-02.

Conditions:
Imerslund-Grasbeck syndrome type 1 (IGS1). Also called: Megaloblastic anemia 1, Finnish type; MEGALOBLASTIC ANEMIA, 1; Imerslund-Gräsbeck syndrome 1. Identifiers: MedGen C4016819, MONDO:0100156, OMIM 261100.
Imerslund-Grasbeck syndrome. Also called: ENTEROCYTE COBALAMIN MALABSORPTION; ENTEROCYTE INTRINSIC FACTOR RECEPTOR, DEFECT OF; Imerslund-Gräsbeck syndrome; PERNICIOUS ANEMIA, JUVENILE, DUE TO SELECTIVE INTESTINAL MALABSORPTION OF VITAMIN B12, WITH PROTEINURIA; Megaloblastic anemia due to inborn errors of metabolism. Identifiers: Orphanet 35858, MedGen C4551825, MONDO:0009853.

Allele frequency attached by ClinVar (database versions not stated): gnomAD exomes 0.00039 and 0.00097; ExAC 0.00109; 1000 Genomes Project 0.00200; 1000 Genomes Project 30x 0.00219; ESP Exome Variant Server 0.00331; gnomAD 0.00331 and 0.00358; TOPMed 0.00385.
gnomAD v4.1: 1,091 of 1,612,626 alleles (0.068%); highest among the groups gnomAD compares: African/African-American, 1.1%; 2 homozygotes.

Submissions (7):

Labcorp Genetics (formerly Invitae), Labcorp
Classification: Benign for Imerslund-Grasbeck syndrome. Last evaluated: 2026-01-02. Review status: criteria provided, single submitter. Criteria: Invitae Variant Classification Sherloc (09022015). Collection method: clinical testing. Allele origin: germline.

Mayo Clinic Laboratories, Mayo Clinic
Classification: Likely benign. Last evaluated: 2024-12-31. Review status: criteria provided, single submitter. Criteria: ACMG Guidelines, 2015. Collection method: clinical testing. Allele origin: germline. Observed: 2 variant alleles.
Comment: BS1, BP4, BP7

Blueprint Genetics
Classification: Likely benign. Last evaluated: 2024-10-16. Review status: criteria provided, single submitter. Criteria: ACMG Guidelines, 2015. Collection method: clinical testing. Allele origin: germline.

ARUP Laboratories, Molecular Genetics and Genomics, ARUP Laboratories
Classification: Likely benign. Last evaluated: 2021-09-01. Review status: criteria provided, single submitter. Criteria: ARUP Molecular Germline Variant Investigation Process 2021. Collection method: clinical testing. Allele origin: germline.

GeneDx
Classification: Likely benign. Last evaluated: 2021-03-17. Review status: criteria provided, single submitter. Criteria: GeneDx Variant Classification Process June 2021. Collection method: clinical testing. Allele origin: germline. Affected: yes.

Illumina Laboratory Services, Illumina
Classification: Likely benign for Imerslund-Grasbeck syndrome type 1. Last evaluated: 2018-01-13. Review status: criteria provided, single submitter. Criteria: ICSL Variant Classification Criteria 13 December 2019. Collection method: clinical testing. Allele origin: germline.
Comment: This variant was observed in the ICSL laboratory as part of a predisposition screen in an ostensibly healthy population. It had not been previously curated by ICSL or reported in the Human Gene Mutation Database (HGMD: prior to June 1st, 2018), and was therefore a candidate for classification through an automated scoring system. Utilizing variant allele frequency, disease prevalence and penetrance estimates, and inheritance mode, an automated score was calculated to assess if this variant is too frequent to cause the disease. Based on the score and internal cut-off values, a variant classified as likely benign is not then subjected to further curation. The score for this variant resulted in a classification of likely benign for this disease.

Breakthrough Genomics
Classification: Likely benign. Review status: criteria provided, single submitter. Criteria: ACMG Guidelines, 2015. Collection method: not provided. Allele origin: germline. Inheritance: Autosomal recessive inheritance. Affected: yes.

NM_001081.4(CUBN):c.1794C>T (p.Tyr598=)

Gene: CUBN (cubilin; minus strand). Cytogenetic location: 10p13.
Variant type: single nucleotide variant.
Coding change: c.1794C>T on transcript NM_001081.4 (MANE Select); coding-DNA position 1794, C replaced by T.
Protein change: p.Tyr598=; no amino-acid change (tyrosine 598 retained).
Molecular consequence: synonymous variant.
Genome position (GRCh38, 1-based): chr10:17,088,317, G>A on the plus strand (C>T on the coding strand, the complement: CUBN is on the minus strand). VCF-style: chr10-17088317-G-A. GRCh37 (hg19) VCF-style: chr10-17130316-G-A.
Other names: p.Tyr598=.
Identifiers: ClinVar variation 299521 (VCV000299521.24), dbSNP rs140184467, ClinGen allele CA5425185.
Genomic context (GRCh38, chr10:17,088,317, plus strand): 5'-CCAGACACAATCTCTTCCTGGGGGATAGTTTCCAGGATACCCCGGAGACTTAATAGAACC[G>A]TAAGGACCAGTCAGGATACCTCCACACTCTAAAATAAGAGGGAAAAATAATGTTACATTT-3'
Protein context (NP_001072.2, residues 588-608): PECGGILTGP[Tyr598=]GSIKSPGYPG